The following is an entry in ClinVar:

ClinVar aggregate classification (germline): Uncertain significance (1 of 4 stars; one submission).

Conditions:
Vici syndrome (VICIS). Identifiers: Orphanet 1493, MedGen C1855772, MONDO:0009452, OMIM 242840.

Submission:

Labcorp Genetics (formerly Invitae), Labcorp
Classification: Uncertain significance for Vici syndrome. Last evaluated: 2022-03-07. Review status: criteria provided, single submitter. Criteria: Invitae Variant Classification Sherloc (09022015). Collection method: clinical testing. Allele origin: germline.
Comment: In summary, the available evidence is currently insufficient to determine the role of this variant in disease. Therefore, it has been classified as a Variant of Uncertain Significance. Algorithms developed to predict the effect of missense changes on protein structure and function are either unavailable or do not agree on the potential impact of this missense change (SIFT: "Deleterious"; PolyPhen-2: "Probably Damaging"; Align-GVGD: "Class C0"). This variant has not been reported in the literature in individuals affected with EPG5-related conditions. This variant is not present in population databases (gnomAD no frequency). This sequence change replaces glutamic acid, which is acidic and polar, with lysine, which is basic and polar, at codon 2404 of the EPG5 protein (p.Glu2404Lys).

NM_020964.3(EPG5):c.7210G>A (p.Glu2404Lys)

Gene: EPG5 (ectopic P-granules 5 autophagy tethering factor; minus strand). Cytogenetic location: 18q12.3.
Variant type: single nucleotide variant.
Coding change: c.7210G>A on transcript NM_020964.3 (MANE Select); coding-DNA position 7210, G replaced by A.
Protein change: p.Glu2404Lys; replaces glutamic acid 2404 with lysine.
Molecular consequence: missense variant.
Genome position (GRCh38, 1-based): chr18:45,858,582, C>T on the plus strand (G>A on the coding strand, the complement: EPG5 is on the minus strand). VCF-style: chr18-45858582-C-T. GRCh37 (hg19) VCF-style: chr18-43438547-C-T.
Other names: short protein forms E2404K.
Identifiers: ClinVar variation 1358284 (VCV001358284.7), dbSNP rs2145197221, ClinGen allele CA402336284.